The following is an entry in ClinVar:

ClinVar aggregate classification (germline): Likely benign. Review status: criteria provided, multiple submitters, no conflicts (2 of 4 stars). 2 submissions from 2 submitters: Likely benign (2). Last evaluated 2025-08-24.

Conditions:
Tuberous sclerosis 1 (TSC1). Identifiers: Orphanet 805, MedGen C1854465, MONDO:0008612, OMIM 191100.

Submissions (2):

Labcorp Genetics (formerly Invitae), Labcorp
Classification: Likely benign for Tuberous sclerosis 1. Last evaluated: 2025-08-24. Review status: criteria provided, single submitter. Criteria: Invitae Variant Classification Sherloc (09022015). Collection method: clinical testing. Allele origin: germline.

Myriad Genetics, Inc.
Classification: Likely benign for Tuberous sclerosis 1. Last evaluated: 2025-04-09. Review status: criteria provided, single submitter. Criteria: Myriad Autosomal Dominant, Autosomal Recessive and X-Linked Classification Criteria (2023). Collection method: clinical testing. Allele origin: unknown.
Comment: This variant is considered likely benign. This variant is intronic and is not expected to impact mRNA splicing.

NM_000368.5(TSC1):c.1142-16del

Gene: TSC1 (TSC complex subunit 1; minus strand). Cytogenetic location: 9q34.13.
Variant type: Deletion.
Coding change: c.1142-16del on transcript NM_000368.5 (MANE Select); 16 bases into the intron before coding-DNA position 1142, one base deleted (T; older notation c.1142-16delT).
Molecular consequence: intron variant.
Genome position (GRCh38, 1-based): chr9:132,910,708, A deleted on the plus strand (T on the coding strand, the reverse complement: TSC1 is on the minus strand). VCF-style (leftmost placement, unchanged base first): chr9-132910707-CA-C. GRCh37 (hg19) VCF-style: chr9-135786094-CA-C.
Other names: c.779-16del (NM_001362177.2); c.989-16del (NM_001162427.2); c.1142-19del (NM_001162426.2).
Identifiers: ClinVar variation 2136577 (VCV002136577.5), dbSNP rs2538838679, ClinGen allele CA2580079991.
Genomic context (GRCh38, chr9:132,910,707, plus strand): 5'-GGAGGAGAGGTTGCTGGGGTTCCCAGAGGAGTTCCTTTTCCACCTGCTTAGAGACAAGGG[CA>C]GAACATATATGAACACTGAGCCCAACTATTAGAAAAACTGCCGATTTTTTTTCAGCCTAT-3'